The following is an entry in ClinVar:

ClinVar aggregate classification (germline): Uncertain significance. Review status: criteria provided, single submitter (1 of 4 stars). 2 submissions from 2 submitters: Uncertain significance (1). 1 of the submissions does not count toward it. Last evaluated 2022-02-08.

Conditions:
Asphyxiating thoracic dystrophy 5 (SRTD5). Also called: SHORT-RIB THORACIC DYSPLASIA 5 WITHOUT POLYDACTYLY; SHORT-RIB THORACIC DYSPLASIA 5 WITH OR WITHOUT POLYDACTYLY. Identifiers: Orphanet 474, MedGen C3280598, MONDO:0013717, OMIM 614376.
Senior-Loken syndrome 8 (SLSN8). Identifiers: Orphanet 3156, MedGen C4225376, MONDO:0014579, OMIM 616307.
Retinal dystrophy. Also called: Inherited retinal dystrophy. Identifiers: Orphanet 71862, MedGen C0854723, MeSH D058499, MONDO:0019118, HP:0000556.

gnomAD v4.1: 39 of 1,611,770 alleles (0.0024%); highest among the groups gnomAD compares: South Asian, 0.013%; no homozygotes.

Submissions (2):

Labcorp Genetics (formerly Invitae), Labcorp
Classification: Uncertain significance for Senior-Loken syndrome 8; Asphyxiating thoracic dystrophy 5. Last evaluated: 2022-02-08. Review status: criteria provided, single submitter. Criteria: Invitae Variant Classification Sherloc (09022015). Collection method: clinical testing. Allele origin: germline.
Comment: Algorithms developed to predict the effect of missense changes on protein structure and function output the following: SIFT: "Tolerated"; PolyPhen-2: "Benign"; Align-GVGD: "Class C0". The glutamine amino acid residue is found in multiple mammalian species, which suggests that this missense change does not adversely affect protein function. This variant has not been reported in the literature in individuals affected with WDR19-related conditions. This variant is present in population databases (rs745506402, gnomAD 0.05%). This sequence change replaces arginine, which is basic and polar, with glutamine, which is neutral and polar, at codon 1337 of the WDR19 protein (p.Arg1337Gln). In summary, the available evidence is currently insufficient to determine the role of this variant in disease. Therefore, it has been classified as a Variant of Uncertain Significance.

Institute of Human Genetics, Univ. Regensburg, Univ. Regensburg
Classification: Uncertain significance for Retinal dystrophy. Last evaluated: 2023-01-01. Review status: no assertion criteria provided. Criteria: ACMG Guidelines, 2015. Collection method: clinical testing. Allele origin: germline. Affected: yes. Not counted in ClinVar's aggregate classification.

NM_025132.4(WDR19):c.4010G>A (p.Arg1337Gln)

Gene: WDR19 (WD repeat domain 19; plus strand). Cytogenetic location: 4p14.
Variant type: single nucleotide variant.
Coding change: c.4010G>A on transcript NM_025132.4 (MANE Select); coding-DNA position 4010, G replaced by A.
Protein change: p.Arg1337Gln; replaces arginine 1337 with glutamine.
Molecular consequence: missense variant.
Genome position (GRCh38, 1-based): chr4:39,278,631, G>A. VCF-style: chr4-39278631-G-A. GRCh37 (hg19) VCF-style: chr4-39280251-G-A.
Other names: c.3530G>A, p.Arg1177Gln (NM_001317924.2); short protein forms R1337Q, R1177Q.
Identifiers: ClinVar variation 1431598 (VCV001431598.5), dbSNP rs745506402, ClinGen allele CA2892553.
Genomic context (GRCh38, chr4:39,278,631, plus strand): 5'-GTTCAGAAAGATTAAACGCTGCTCAGCTGAAAAAGATTTCAGACTGTACCCAGTACCTGC[G>A]AACGGAGGAGGAACTGTGATTGGCACGTGCAGGTGAGTGGCAGAGCGCCCACGCACCTTC-3'
Protein context (NP_079408.3, residues 1327-1342): KKISDCTQYL[Arg1337Gln]TEEEL